The following is an entry in ClinVar:

ClinVar aggregate classification (germline): Uncertain significance (1 of 4 stars; one submission).

Allele frequency attached by ClinVar (database versions not stated): gnomAD exomes below 0.00001.
gnomAD v4.1: 2 of 1,210,275 alleles (0.00017%); highest among the groups gnomAD compares: Non-Finnish European, 0.00022%; no homozygotes.

Submission:

GeneDx
Classification: Uncertain significance. Last evaluated: 2021-12-07. Review status: criteria provided, single submitter. Criteria: GeneDx Variant Classification Process June 2021. Collection method: clinical testing. Allele origin: germline. Affected: yes.
Comment: Has not been previously published as pathogenic or benign to our knowledge; In silico analysis supports that this missense variant has a deleterious effect on protein structure/function; Not observed at significant frequency in large population cohorts (Lek et al., 2016); Missense variants in this gene are often considered pathogenic (Stenson et al., 2014); This variant is associated with the following publications: (PMID: 28607419)

NM_006306.4(SMC1A):c.3268C>T (p.Arg1090Cys)

Gene: SMC1A (structural maintenance of chromosomes 1A; minus strand). Cytogenetic location: Xp11.22.
Variant type: single nucleotide variant.
Coding change: c.3268C>T on transcript NM_006306.4 (MANE Select); coding-DNA position 3268, C replaced by T.
Protein change: p.Arg1090Cys; replaces arginine 1090 with cysteine.
Molecular consequence: missense variant.
Genome position (GRCh38, 1-based): chrX:53,382,523, G>A on the plus strand (C>T on the coding strand, the complement: SMC1A is on the minus strand). VCF-style: chrX-53382523-G-A. GRCh37 (hg19) VCF-style: chrX-53409444-G-A.
Other names: c.3202C>T, p.Arg1068Cys (NM_001281463.1); short protein forms R1068C, R1090C.
Identifiers: ClinVar variation 1327853 (VCV001327853.2), dbSNP rs2146582558, ClinGen allele CA413243853.